The following is an entry in ClinVar:

ClinVar aggregate classification (germline): Uncertain significance (1 of 4 stars; one submission).

Conditions:
Xeroderma pigmentosum, group F (XPF). Also called: ERCC4-Related Xeroderma Pigmentosum; XERODERMA PIGMENTOSUM, COMPLEMENTATION GROUP F; XERODERMA PIGMENTOSUM, TYPE F; Xeroderma pigmentosum, type 6; XERODERMA PIGMENTOSUM VI; XP, GROUP F. Identifiers: MedGen C0268140, MONDO:0010215, OMIM 278760.
Cockayne syndrome. Identifiers: Orphanet 191, MedGen C0009207, MONDO:0016006.
Fanconi anemia complementation group Q. Identifiers: Orphanet 84, MedGen C3808988, MONDO:0014108, OMIM 615272.

Submission:

Labcorp Genetics (formerly Invitae), Labcorp
Classification: Uncertain significance for Fanconi anemia complementation group Q; Xeroderma pigmentosum, group F; Cockayne syndrome. Last evaluated: 2025-04-17. Review status: criteria provided, single submitter. Criteria: Invitae Variant Classification Sherloc (09022015). Collection method: clinical testing. Allele origin: germline.
Comment: This sequence change replaces aspartic acid, which is acidic and polar, with asparagine, which is neutral and polar, at codon 541 of the ERCC4 protein (p.Asp541Asn). This variant is not present in population databases (gnomAD no frequency). This variant has not been reported in the literature in individuals affected with ERCC4-related conditions. Invitae Evidence Modeling of protein sequence and biophysical properties (such as structural, functional, and spatial information, amino acid conservation, physicochemical variation, residue mobility, and thermodynamic stability) indicates that this missense variant is not expected to disrupt ERCC4 protein function with a negative predictive value of 80%. In summary, the available evidence is currently insufficient to determine the role of this variant in disease. Therefore, it has been classified as a Variant of Uncertain Significance.

NM_005236.3(ERCC4):c.1621G>A (p.Asp541Asn)

Gene: ERCC4 (ERCC excision repair 4, endonuclease catalytic subunit; plus strand). Cytogenetic location: 16p13.12.
Variant type: single nucleotide variant.
Coding change: c.1621G>A on transcript NM_005236.3 (MANE Select); coding-DNA position 1621, G replaced by A.
Protein change: p.Asp541Asn; replaces aspartic acid 541 with asparagine.
Molecular consequence: missense variant.
Genome position (GRCh38, 1-based): chr16:13,935,553, G>A. VCF-style: chr16-13935553-G-A. GRCh37 (hg19) VCF-style: chr16-14029410-G-A.
Other names: short protein forms D541N.
Identifiers: ClinVar variation 4782472 (VCV004782472.1).